The following is an entry in ClinVar:

ClinVar aggregate classification (germline): Uncertain significance (1 of 4 stars; one submission).

Conditions:
Leber congenital amaurosis 4 (LCA4). Identifiers: MedGen C1858386, MONDO:0011458, OMIM 604393.

Submission:

3billion
Classification: Uncertain significance for Leber congenital amaurosis 4. Last evaluated: 2023-02-23. Review status: criteria provided, single submitter. Criteria: ACMG Guidelines, 2015. Collection method: clinical testing. Allele origin: unknown. Affected: yes.
Comment: The variant is not observed in the gnomAD v2.1.1 dataset. In silico tool predictions suggest damaging effect of the variant on gene or gene product (REVEL: 0.87; 3Cnet: 0.56). Therefore, this variant is classified as VUS according to the recommendation of ACMG/AMP guideline.

NM_014336.5(AIPL1):c.623T>C (p.Leu208Pro)

Gene: AIPL1 (AIP like 1 HSP90 co-chaperone; minus strand). Cytogenetic location: 17p13.2.
Variant type: single nucleotide variant.
Coding change: c.623T>C on transcript NM_014336.5 (MANE Select); coding-DNA position 623, T replaced by C.
Protein change: p.Leu208Pro; replaces leucine 208 with proline.
Molecular consequence: missense variant.
Genome position (GRCh38, 1-based): chr17:6,426,900, A>G on the plus strand (T>C on the coding strand, the complement: AIPL1 is on the minus strand). VCF-style: chr17-6426900-A-G. GRCh37 (hg19) VCF-style: chr17-6330220-A-G.
Other names: c.434T>C, p.Leu145Pro (NM_001033054.3); c.443T>C, p.Leu148Pro (NM_001033055.3); c.587T>C, p.Leu196Pro (NM_001285399.3); c.557T>C, p.Leu186Pro (NM_001285400.3); c.623T>C, p.Leu208Pro (NM_001285401.3); c.506T>C, p.Leu169Pro (NM_001285402.2); c.599T>C, p.Leu200Pro (NM_001285403.4); short protein forms L145P, L148P, L169P, L186P, L196P, L200P, L208P.
Identifiers: ClinVar variation 2444393 (VCV002444393.1), dbSNP rs2543885473, ClinGen allele CA397395367.